The following is an entry in ClinVar:

ClinVar aggregate classification (germline): Uncertain significance (1 of 4 stars; one submission).

Conditions:
Arrhythmogenic right ventricular dysplasia 8 (ARVD8). Also called: Arrhythmogenic Right Ventricular Dysplasia/Cardiomyopathy 8; ARRHYTHMOGENIC RIGHT VENTRICULAR CARDIOMYOPATHY 8; ARRHYTHMOGENIC RIGHT VENTRICULAR DYSPLASIA, FAMILIAL, 8. Identifiers: MedGen C1843896, MONDO:0011831, OMIM 607450.
Arrhythmogenic cardiomyopathy with wooly hair and keratoderma. Also called: Dilated cardiomyopathy with woolly hair and keratoderma; Arrhythmogenic cardiomyopathy with woolly hair and keratoderma; Carvajal syndrome; PALMOPLANTAR KERATODERMA WITH LEFT VENTRICULAR CARDIOMYOPATHY AND WOOLLY HAIR. Identifiers: Orphanet 65282, MedGen C1854063, MONDO:0011581, OMIM 605676.

Allele frequency attached by ClinVar (database versions not stated): gnomAD exomes below 0.00001.
gnomAD v4.1: 2 of 1,614,122 alleles (0.00012%); highest among the groups gnomAD compares: Non-Finnish European, 0.00017%; no homozygotes.

Submission:

Labcorp Genetics (formerly Invitae), Labcorp
Classification: Uncertain significance for Arrhythmogenic cardiomyopathy with wooly hair and keratoderma; Arrhythmogenic right ventricular dysplasia 8. Last evaluated: 2018-06-13. Review status: criteria provided, single submitter. Criteria: Invitae Variant Classification Sherloc (09022015). Collection method: clinical testing. Allele origin: germline.
Comment: This sequence change replaces lysine with glutamic acid at codon 1974 of the DSP protein (p.Lys1974Glu). The lysine residue is highly conserved and there is a small physicochemical difference between lysine and glutamic acid. This variant is not present in population databases (ExAC no frequency). This variant has not been reported in the literature in individuals with DSP-related disease. Algorithms developed to predict the effect of missense changes on protein structure and function are either unavailable or do not agree on the potential impact of this missense change (SIFT: "Tolerated"; PolyPhen-2: "Probably Damaging"; Align-GVGD: "Class C0"). In summary, the available evidence is currently insufficient to determine the role of this variant in disease. Therefore, it has been classified as a Variant of Uncertain Significance.

NM_004415.4(DSP):c.5920A>G (p.Lys1974Glu)

Gene: DSP (desmoplakin; plus strand). Cytogenetic location: 6p24.3.
Variant type: single nucleotide variant.
Coding change: c.5920A>G on transcript NM_004415.4 (MANE Select); coding-DNA position 5920, A replaced by G.
Protein change: p.Lys1974Glu; replaces lysine 1974 with glutamic acid.
Molecular consequence: missense variant.
Genome position (GRCh38, 1-based): chr6:7,583,182, A>G. VCF-style: chr6-7583182-A-G. GRCh37 (hg19) VCF-style: chr6-7583415-A-G.
Other names: c.5920A>G (LRG_423t1); c.4123A>G, p.Lys1375Glu (NM_001008844.3); c.4591A>G, p.Lys1531Glu (NM_001319034.2); short protein forms K1974E, K1375E, K1531E.
Identifiers: ClinVar variation 582948 (VCV000582948.9), dbSNP rs1561701683, ClinGen allele CA362689700.